The following is an entry in ClinVar:

NM_001286577.2(C2CD3):c.5210del (p.Gly1737fs)

Gene: C2CD3 (C2 domain containing 3 centriole elongation regulator; minus strand). Cytogenetic location: 11q13.4.
Variant type: Deletion.
Coding change: c.5210del on transcript NM_001286577.2 (MANE Select); coding-DNA position 5210, one base deleted (G; older notation c.5210delG).
Protein change: p.Gly1737fs; shifts the reading frame from glycine 1737.
Molecular consequence: frameshift variant.
Genome position (GRCh38, 1-based): chr11:74,049,488, C deleted on the plus strand (G on the coding strand, the reverse complement: C2CD3 is on the minus strand); the first of 2 consecutive C bases (chr11:74,049,488-74,049,489); deleting either gives the same sequence. VCF-style (leftmost placement, unchanged base first): chr11-74049487-GC-G. GRCh37 (hg19) VCF-style: chr11-73760532-GC-G.
Other names: c.5210del, p.Gly1737fs (NM_015531.6); short protein forms G1737fs.
Identifiers: ClinVar variation 4723945 (VCV004723945.1).

ClinVar aggregate classification (germline): Pathogenic (1 of 4 stars; one submission).

Submission:

Labcorp Genetics (formerly Invitae), Labcorp
Classification: Pathogenic. Last evaluated: 2025-07-23. Review status: criteria provided, single submitter. Criteria: Invitae Variant Classification Sherloc (09022015). Collection method: clinical testing. Allele origin: germline.
Comment: This sequence change creates a premature translational stop signal (p.Gly1737Alafs*22) in the C2CD3 gene. It is expected to result in an absent or disrupted protein product. Loss-of-function variants in C2CD3 are known to be pathogenic (PMID: 24997988, 26477546). This variant is not present in population databases (gnomAD no frequency). This variant has not been reported in the literature in individuals affected with C2CD3-related conditions. Algorithms developed to predict the effect of sequence changes on RNA splicing suggest that this variant may create or strengthen a splice site. For these reasons, this variant has been classified as Pathogenic.

Literature cited by the submitters: PubMed 24997988; PubMed 26477546.